The following is an entry in ClinVar:

NM_000428.3(LTBP2):c.4949A>G (p.His1650Arg)

Gene: LTBP2 (latent transforming growth factor beta binding protein 2; minus strand). Cytogenetic location: 14q24.3.
Variant type: single nucleotide variant.
Coding change: c.4949A>G on transcript NM_000428.3 (MANE Select); coding-DNA position 4949, A replaced by G.
Protein change: p.His1650Arg; replaces histidine 1650 with arginine.
Molecular consequence: missense variant.
Genome position (GRCh38, 1-based): chr14:74,502,874, T>C on the plus strand (A>G on the coding strand, the complement: LTBP2 is on the minus strand). VCF-style: chr14-74502874-T-C. GRCh37 (hg19) VCF-style: chr14-74969577-T-C.
Other names: c.4949A>G (NM_000428.2); short protein forms H1650R.
Identifiers: ClinVar variation 1418714 (VCV001418714.4), dbSNP rs200110059, ClinGen allele CA7268569.

ClinVar aggregate classification (germline): Uncertain significance. Review status: criteria provided, multiple submitters, no conflicts (2 of 4 stars). 2 submissions from 2 submitters: Uncertain significance (2). Last evaluated 2025-10-30.

Conditions:
Inborn genetic diseases. Identifiers: MedGen C0950123, MeSH D030342.

Allele frequency attached by ClinVar (database versions not stated): ExAC 0.00002; gnomAD exomes 0.00002 and 0.00003; gnomAD 0.00004 and 0.00005; TOPMed 0.00002.
gnomAD v4.1: 62 of 1,613,500 alleles (0.0038%); highest among the groups gnomAD compares: Middle Eastern, 0.017%; no homozygotes.

Submissions (2):

Ambry Genetics
Classification: Uncertain significance for Inborn genetic diseases. Last evaluated: 2025-10-30. Review status: criteria provided, single submitter. Criteria: Ambry Variant Classification Scheme 2023. Collection method: clinical testing. Allele origin: germline.

Labcorp Genetics (formerly Invitae), Labcorp
Classification: Uncertain significance. Last evaluated: 2022-08-19. Review status: criteria provided, single submitter. Criteria: Invitae Variant Classification Sherloc (09022015). Collection method: clinical testing. Allele origin: germline.
Comment: This sequence change replaces histidine, which is basic and polar, with arginine, which is basic and polar, at codon 1650 of the LTBP2 protein (p.His1650Arg). This variant is present in population databases (rs200110059, gnomAD 0.01%). This variant has not been reported in the literature in individuals affected with LTBP2-related conditions. ClinVar contains an entry for this variant (Variation ID: 1418714). Algorithms developed to predict the effect of missense changes on protein structure and function (SIFT, PolyPhen-2, Align-GVGD) all suggest that this variant is likely to be disruptive. In summary, the available evidence is currently insufficient to determine the role of this variant in disease. Therefore, it has been classified as a Variant of Uncertain Significance.